The following is an entry in ClinVar:

ClinVar aggregate classification (germline): Likely benign (1 of 4 stars; one submission).

Submission:

CeGaT Center for Human Genetics Tuebingen
Classification: Likely benign. Last evaluated: 2025-06-01. Review status: criteria provided, single submitter. Criteria: CeGaT Center For Human Genetics Tuebingen Variant Classification Criteria Version 2. Collection method: clinical testing. Allele origin: germline. Affected: yes. Observed: 1 variant allele.
Comment: ELP2: BP4, BS1

NM_018255.4(ELP2):c.523+550C>T

Gene: ELP2 (elongator acetyltransferase complex subunit 2; plus strand). Cytogenetic location: 18q12.2.
Variant type: single nucleotide variant.
Coding change: c.523+550C>T on transcript NM_018255.4 (MANE Select); 550 bases into the intron after coding-DNA position 523, C replaced by T.
Molecular consequence: intron variant. On other transcripts: missense variant (3).
Genome position (GRCh38, 1-based): chr18:36,139,422, C>T. VCF-style: chr18-36139422-C-T. GRCh37 (hg19) VCF-style: chr18-33719385-C-T.
Other names: c.527C>T, p.Thr176Ile (NM_001242875.3); c.449C>T, p.Thr150Ile (NM_001242876.3, NM_001324466.2); c.523+550C>T (NM_001324467.2, NM_001324465.2); c.445+996C>T (NM_001242877.3, NM_001242878.3, NM_001242879.3); c.76+550C>T (NM_001324468.2); short protein forms T150I, T176I.
Identifiers: ClinVar variation 4083998 (VCV004083998.8).
Genomic context (GRCh38, chr18:36,139,422, plus strand): 5'-GTATCTTCTACAAAGATAATAGCCAGTGTGAGTGAGTCAGCCTCTTTGCCTCCACAGTTA[C>T]CTGGAAGACTGGCCAGGTGGAACGAGGCAGGGCCTGGAAGCCACCAGCCTCTCTCGCCCT-3'